The following is an entry in ClinVar:

NM_000267.3(NF1):c.3199_3200delGA

Gene: NF1 (neurofibromin 1; plus strand). Cytogenetic location: 17q11.2.
Variant type: Microsatellite.
Coding change: c.3199_3200delGA on transcript NM_000267.3; coding-DNA positions 3199 to 3200, 2 bases deleted (GA).
Genome position (GRCh38, 1-based): chr17:31,232,074-31,232,075, GA deleted; deleting any 2 consecutive bases within chr17:31,232,071-31,232,075 gives the same sequence; the c. name uses the placement nearest the transcript's 3' end. VCF-style (leftmost placement, unchanged base first): chr17-31232070-CAG-C. GRCh37 (hg19) VCF-style: chr17-29559088-CAG-C.
Identifiers: ClinVar variation 1728744 (VCV001728744.2), dbSNP rs2508223199, ClinGen allele CA2580614059.

ClinVar aggregate classification (germline): Pathogenic (1 of 4 stars; one submission).

Conditions:
Hereditary cancer-predisposing syndrome. Also called: Hereditary neoplastic syndrome; Neoplastic Syndromes, Hereditary; Tumor predisposition; Hereditary Cancer Syndrome. Identifiers: Orphanet 140162, MedGen C0027672, MeSH D009386, MONDO:0015356.
Cardiovascular phenotype. Identifiers: MedGen CN230736.

Submission:

Ambry Genetics
Classification: Pathogenic for Cardiovascular phenotype; Hereditary cancer-predisposing syndrome. Last evaluated: 2021-02-11. Review status: criteria provided, single submitter. Criteria: Ambry Variant Classification Scheme 2023. Collection method: clinical testing. Allele origin: germline.
Comment: The c.3199_3200delGA pathogenic mutation, located in coding exon 25 of the NF1 gene, results from a deletion of two nucleotides at nucleotide positions 3199 to 3200, causing a translational frameshift with a predicted alternate stop codon (p.D1067Ffs*21). This alteration, designated as c.3198_3199del, has been reported in a cohort of 831 breast cancer cases and was not seen in any of the 839 controls (Zeng C et al. Breast Cancer Res Treat, 2020 Jun;181:465-473). This alteration is expected to result in loss of function by premature protein truncation or nonsense-mediated mRNA decay. As such, this alteration is interpreted as a disease-causing mutation.